The following is an entry in ClinVar:

NM_024721.5(ZFHX4):c.4819A>G (p.Thr1607Ala)

Gene: ZFHX4 (zinc finger homeobox 4; plus strand). Cytogenetic location: 8q21.13.
Variant type: single nucleotide variant.
Coding change: c.4819A>G on transcript NM_024721.5 (MANE Select); coding-DNA position 4819, A replaced by G.
Protein change: p.Thr1607Ala; replaces threonine 1607 with alanine.
Molecular consequence: missense variant.
Genome position (GRCh38, 1-based): chr8:76,851,740, A>G. VCF-style: chr8-76851740-A-G. GRCh37 (hg19) VCF-style: chr8-77763976-A-G.
Other names: c.4741A>G, p.Thr1581Ala (NM_001410934.1); short protein forms T1581A, T1607A.
Identifiers: ClinVar variation 3900298 (VCV003900298.1).

ClinVar aggregate classification (germline): Uncertain significance (1 of 4 stars; one submission).

gnomAD v4.1: 3 of 1,614,014 alleles (0.00019%); highest among the groups gnomAD compares: Non-Finnish European, 0.00025%; no homozygotes.

Submission:

GeneDx
Classification: Uncertain significance. Last evaluated: 2023-06-23. Review status: criteria provided, single submitter. Criteria: GeneDx Variant Classification Process June 2021. Collection method: clinical testing. Allele origin: germline. Affected: yes.
Comment: Not observed at significant frequency in large population cohorts (gnomAD); In silico analysis supports that this missense variant has a deleterious effect on protein structure/function; Has not been previously published as pathogenic or benign to our knowledge; Variants in candidate genes are classified as variants of uncertain significance in accordance with ACMG guidelines (Richards et al., 2015)